The following is an entry in ClinVar:

ClinVar aggregate classification (germline): Uncertain significance. Review status: criteria provided, multiple submitters, no conflicts (2 of 4 stars). 2 submissions from 2 submitters: Uncertain significance (2). Last evaluated 2024-01-29.

Conditions:
Early-infantile DEE. Also called: Ohtahara syndrome; Early infantile epileptic encephalopathy with suppression bursts; Early infantile epileptic encephalopathy. Identifiers: Orphanet 1934, MedGen C0393706, MONDO:0800491.
Developmental and epileptic encephalopathy, 7 (DEE7). Also called: KCNQ2-Related Neonatal Epileptic Encephalopathy; Early infantile epileptic encephalopathy 7; KCNQ2-Related Neonatal-Onset Developmental and Epileptic Encephalopathy (NEO-DEE). Identifiers: Orphanet 439218, MedGen C3150986, MONDO:0013387, OMIM 613720.

Submissions (2):

Labcorp Genetics (formerly Invitae), Labcorp
Classification: Uncertain significance for Early-infantile DEE. Last evaluated: 2024-01-29. Review status: criteria provided, single submitter. Criteria: Invitae Variant Classification Sherloc (09022015). Collection method: clinical testing. Allele origin: germline.
Comment: This sequence change replaces alanine, which is neutral and non-polar, with glycine, which is neutral and non-polar, at codon 825 of the KCNQ2 protein (p.Ala825Gly). This variant is not present in population databases (gnomAD no frequency). This variant has not been reported in the literature in individuals affected with KCNQ2-related conditions. ClinVar contains an entry for this variant (Variation ID: 582445). An algorithm developed to predict the effect of missense changes on protein structure and function (PolyPhen-2) suggests that this variant is likely to be tolerated. In summary, the available evidence is currently insufficient to determine the role of this variant in disease. Therefore, it has been classified as a Variant of Uncertain Significance.

Centre for Mendelian Genomics, University Medical Centre Ljubljana
Classification: Uncertain significance for Developmental and epileptic encephalopathy, 7. Last evaluated: 2019-04-02. Review status: criteria provided, single submitter. Criteria: ACMG Guidelines, 2015. Collection method: clinical testing. Allele origin: unknown. Affected: yes.
Comment: This variant was classified as: Uncertain significance. The available evidence on this variant's pathogenicity is insufficient or conflicting. The following ACMG criteria were applied in classifying this variant: PM2.

NM_172107.4(KCNQ2):c.2474C>G (p.Ala825Gly)

Gene: KCNQ2 (potassium voltage-gated channel subfamily Q member 2; minus strand). Cytogenetic location: 20q13.33.
Variant type: single nucleotide variant.
Coding change: c.2474C>G on transcript NM_172107.4 (MANE Select); coding-DNA position 2474, C replaced by G.
Protein change: p.Ala825Gly; replaces alanine 825 with glycine.
Molecular consequence: missense variant.
Genome position (GRCh38, 1-based): chr20:63,406,789, G>C on the plus strand (C>G on the coding strand, the complement: KCNQ2 is on the minus strand). VCF-style: chr20-63406789-G-C. GRCh37 (hg19) VCF-style: chr20-62038142-G-C.
Other names: c.2390C>G, p.Ala797Gly (NM_004518.6); c.2420C>G, p.Ala807Gly (NM_172106.3); c.2381C>G, p.Ala794Gly (NM_172108.5); short protein forms A825G, A794G, A797G, A807G.
Identifiers: ClinVar variation 582445 (VCV000582445.15), dbSNP rs1568858969, ClinGen allele CA409636921.